The following is an entry in ClinVar:

ClinVar aggregate classification (germline): Likely benign (1 of 4 stars; one submission).

Allele frequency attached by ClinVar (database versions not stated): 1000 Genomes Project 0.00060; 1000 Genomes Project 30x 0.00094; TOPMed 0.00272; ESP Exome Variant Server 0.00292; gnomAD 0.00478.
gnomAD v4.1: 9,181 of 1,613,842 alleles (0.57%); highest among the groups gnomAD compares: Non-Finnish European, 0.59%; 45 homozygotes.

Submission:

CeGaT Center for Human Genetics Tuebingen
Classification: Likely benign. Last evaluated: 2022-08-01. Review status: criteria provided, single submitter. Criteria: CeGaT Center For Human Genetics Tuebingen Variant Classification Criteria Version 2. Collection method: clinical testing. Allele origin: germline. Affected: yes. Observed: 1 variant allele.
Comment: DTX2: BP4, BP7

NM_001102594.3(DTX2):c.690C>T (p.Pro230=)

Gene: DTX2 (deltex E3 ubiquitin ligase 2; plus strand). Cytogenetic location: 7q11.23.
Variant type: single nucleotide variant.
Coding change: c.690C>T on transcript NM_001102594.3 (MANE Select); coding-DNA position 690, C replaced by T.
Protein change: p.Pro230=; no amino-acid change (proline 230 retained).
Molecular consequence: synonymous variant.
Genome position (GRCh38, 1-based): chr7:76,482,929, C>T. VCF-style: chr7-76482929-C-T. GRCh37 (hg19) VCF-style: chr7-76112246-C-T.
Other names: c.690C>T, p.Pro230= (NM_001102595.3, NM_001102596.2, NM_020892.4).
Identifiers: ClinVar variation 2657626 (VCV002657626.24), dbSNP rs151329883, ClinGen allele CA4307933.
Genomic context (GRCh38, chr7:76,482,929, plus strand): 5'-GTCAGGCCGCTACCGCCACTCCATGACCAACCTCCCTGCATACCCCGTCCCCCAGCACCC[C>T]CCACACAGGACCGCTTCTGTGTTTGGGACCCACCAGGCCTTTGCACCGTACAACAAACCC-3'
Protein context (NP_001096064.1, residues 220-240): NLPAYPVPQH[Pro230=]PHRTASVFGT